The following is an entry in ClinVar:

NM_001267550.2(TTN):c.62214T>G (p.Ile20738Met)

Genes: TTN (titin; minus strand), TTN-AS1 (TTN antisense RNA 1; plus strand). Cytogenetic location: 2q31.2.
Variant type: single nucleotide variant.
Coding change: c.62214T>G on transcript NM_001267550.2 (MANE Select); coding-DNA position 62214, T replaced by G.
Protein change: p.Ile20738Met; replaces isoleucine 20738 with methionine.
Molecular consequence: missense variant.
Genome position (GRCh38, 1-based): chr2:178,589,511, A>C on the plus strand (T>G on the coding strand, the complement: TTN is on the minus strand). VCF-style: chr2-178589511-A-C. GRCh37 (hg19) VCF-style: chr2-179454238-A-C.
Other names: c.57291T>G, p.Ile19097Met (NM_001256850.1); c.35019T>G, p.Ile11673Met (NM_003319.4); c.54510T>G, p.Ile18170Met (NM_133378.4); c.35394T>G, p.Ile11798Met (NM_133432.3); c.35595T>G, p.Ile11865Met (NM_133437.4); short protein forms I20738M, I11673M, I11798M, I19097M, I11865M, I18170M.
Identifiers: ClinVar variation 568715 (VCV000568715.29), dbSNP rs1388003753, ClinGen allele CA349465528.

ClinVar aggregate classification (germline): Uncertain significance. Review status: criteria provided, multiple submitters, no conflicts (2 of 4 stars). 4 submissions from 4 submitters: Uncertain significance (4). Last evaluated 2024-07-12.

Conditions:
Dilated cardiomyopathy 1G (CMD1G). Identifiers: Orphanet 154, MedGen C1858763, MONDO:0011400, OMIM 604145.
Autosomal recessive limb-girdle muscular dystrophy type 2J (LGMDR10). Also called: Limb-girdle muscular dystrophy, type 2J; MUSCULAR DYSTROPHY, LIMB-GIRDLE, AUTOSOMAL RECESSIVE 10. Identifiers: Orphanet 140922, MedGen C1837342, MONDO:0012127, OMIM 608807.

Allele frequency attached by ClinVar (database versions not stated): gnomAD 0.00001; gnomAD exomes 0.00001 and 0.00002; TOPMed 0.00001.
gnomAD v4.1: 11 of 1,613,212 alleles (0.00068%); highest among the groups gnomAD compares: Non-Finnish European, 0.00085%; no homozygotes.

Submissions (4):

Women's Health and Genetics/Laboratory Corporation of America, LabCorp
Classification: Uncertain significance. Last evaluated: 2024-07-12. Review status: criteria provided, single submitter. Criteria: LabCorp Variant Classification Summary - May 2015. Collection method: clinical testing. Allele origin: germline.
Comment: Variant summary: TTN c.54510T>G (p.Ile18170Met) results in a conservative amino acid change located in the A-band domain of the encoded protein sequence. Two of four in-silico tools predict a benign effect of the variant on protein function. The variant allele was found at a frequency of 1.6e-05 in 248096 control chromosomes. The available data on variant occurrences in the general population are insufficient to allow any conclusion about variant significance. c.54510T>G has been reported in the literature in individuals affected with an unspecified skeletal myopathy, without reported genotypes (e.g. Savarese_2020). This report does not provide unequivocal conclusions about association of the variant with Limb-Girdle Muscular Dystrophy, Type 2J. To our knowledge, no experimental evidence demonstrating an impact on protein function has been reported. The following publication has been ascertained in the context of this evaluation (PMID: 32039858). ClinVar contains an entry for this variant (Variation ID: 568715). Based on the evidence outlined above, the variant was classified as uncertain significance.

Revvity Omics, Revvity
Classification: Uncertain significance. Last evaluated: 2023-12-11. Review status: criteria provided, single submitter. Criteria: ACMG Guidelines, 2015. Collection method: clinical testing. Allele origin: germline.

CeGaT Center for Human Genetics Tuebingen
Classification: Uncertain significance. Last evaluated: 2023-05-01. Review status: criteria provided, single submitter. Criteria: CeGaT Center For Human Genetics Tuebingen Variant Classification Criteria Version 2. Collection method: clinical testing. Allele origin: germline. Affected: yes. Observed: 1 variant allele.
Comment: TTN: PM2:Supporting

Labcorp Genetics (formerly Invitae), Labcorp
Classification: Uncertain significance for Dilated cardiomyopathy 1G; Autosomal recessive limb-girdle muscular dystrophy type 2J. Last evaluated: 2018-02-24. Review status: criteria provided, single submitter. Criteria: Invitae Variant Classification Sherloc (09022015). Collection method: clinical testing. Allele origin: germline.
Comment: This sequence change replaces isoleucine with methionine at codon 20738 of the TTN protein (p.Ile20738Met). There is a small physicochemical difference between isoleucine and methionine. This variant is not present in population databases (ExAC no frequency). This variant has not been reported in the literature in individuals with TTN-related disease. Algorithms developed to predict the effect of sequence changes on RNA splicing suggest that this variant may create or strengthen a splice site, but this prediction has not been confirmed by published transcriptional studies. This variant identified in the TTN gene is located in the A band of the resulting protein (PMID: 25589632). It is unclear how this variant impacts the function of this protein. In summary, the available evidence is currently insufficient to determine the role of this variant in disease. Therefore, it has been classified as a Variant of Uncertain Significance.

Literature cited by the submitters: PubMed 32039858 (cited by Women's Health and Genetics/Laboratory Corporation of America, LabCorp); PubMed 25589632 (cited by Labcorp Genetics (formerly Invitae), Labcorp).